The following is an entry in ClinVar:

NM_001370259.2(MEN1):c.1610T>G (p.Val537Gly)

Gene: MEN1 (menin 1; minus strand). Cytogenetic location: 11q13.1.
Variant type: single nucleotide variant.
Coding change: c.1610T>G on transcript NM_001370259.2 (MANE Select); coding-DNA position 1610, T replaced by G.
Protein change: p.Val537Gly; replaces valine 537 with glycine.
Molecular consequence: missense variant.
Genome position (GRCh38, 1-based): chr11:64,804,557, A>C on the plus strand (T>G on the coding strand, the complement: MEN1 is on the minus strand). VCF-style: chr11-64804557-A-C. GRCh37 (hg19) VCF-style: chr11-64572029-A-C.
Other names: c.1505T>G, p.Val502Gly (NM_001370262.2, NM_001370263.2); c.1610T>G, p.Val537Gly (NM_130799.3, NM_001370260.2, NM_001370261.2); c.1625T>G, p.Val542Gly (NM_130800.3, NM_130801.3, NM_130802.3 and 3 more transcripts); c.1736T>G, p.Val579Gly (NM_001370251.2); short protein forms V502G, V542G, V579G, V537G.
Identifiers: ClinVar variation 658118 (VCV000658118.11), dbSNP rs775422717, ClinGen allele CA060831.

ClinVar aggregate classification (germline): Conflicting classifications of pathogenicity. Review status: criteria provided, conflicting classifications (1 of 4 stars). 3 submissions from 3 submitters: Uncertain significance (1); Likely benign (2). Last evaluated 2025-11-11.

Conditions:
Multiple endocrine neoplasia, type 1 (MEN1). Also called: Endocrine adenomatosis multiple; MEN 1; MEN I; WERMER SYNDROME; MEA I. Identifiers: Orphanet 652, MedGen C0025267, MeSH D018761, MONDO:0007540, OMIM 131100.
Hereditary cancer-predisposing syndrome. Also called: Neoplastic Syndromes, Hereditary; Hereditary neoplastic syndrome; Hereditary Cancer Syndrome; Tumor predisposition. Identifiers: Orphanet 140162, MedGen C0027672, MeSH D009386, MONDO:0015356.

Allele frequency attached by ClinVar (database versions not stated): gnomAD exomes below 0.00001 and 0.00001; ExAC 0.00001; gnomAD 0.00001; TOPMed 0.00001.
gnomAD v4.1: 6 of 1,613,298 alleles (0.00037%); highest among the groups gnomAD compares: Admixed American, 0.005%; no homozygotes.

Submissions (3):

Labcorp Genetics (formerly Invitae), Labcorp
Classification: Likely benign for Multiple endocrine neoplasia, type 1. Last evaluated: 2025-11-11. Review status: criteria provided, single submitter. Criteria: Invitae Variant Classification Sherloc (09022015). Collection method: clinical testing. Allele origin: germline.

Color Diagnostics, LLC DBA Color Health
Classification: Uncertain significance for Multiple endocrine neoplasia, type 1. Last evaluated: 2025-06-23. Review status: criteria provided, single submitter. Criteria: ACMG Guidelines, 2015. Collection method: clinical testing. Allele origin: germline.
Comment: This missense variant replaces valine with glycine at codon 537 of the MEN1 protein. Computational prediction suggests that this variant may not impact protein structure and function. To our knowledge, functional studies have not been reported for this variant. This variant has not been reported in individuals affected with MEN1-related disorders in the literature. This variant has been identified in 1/250652 chromosomes in the general population by the Genome Aggregation Database (gnomAD). The available evidence is insufficient to determine the role of this variant in disease conclusively. Therefore, this variant is classified as a Variant of Uncertain Significance.

Ambry Genetics
Classification: Likely benign for Hereditary cancer-predisposing syndrome. Last evaluated: 2022-11-30. Review status: criteria provided, single submitter. Criteria: Ambry Variant Classification Scheme 2023. Collection method: clinical testing. Allele origin: germline.